The following is an entry in ClinVar:

ClinVar aggregate classification (germline): Pathogenic/Likely pathogenic. Review status: criteria provided, multiple submitters, no conflicts (2 of 4 stars). 6 submissions from 6 submitters: Pathogenic (1); Likely pathogenic (4). 1 of the submissions does not count toward it. Last evaluated 2025-09-18.

Conditions:
Familial hypocalciuric hypercalcemia 1. Also called: Hypercalcemia, familial benign type 1. Identifiers: Orphanet 405, Orphanet 93372, MedGen C0342637, MONDO:0007791, OMIM 145980.
Autosomal dominant hypocalcemia 1 (HYPOC1). Also called: HYPOCALCEMIA, FAMILIAL. Identifiers: MedGen C3715128, MONDO:0011013, OMIM 601198.
Epilepsy, idiopathic generalized, susceptibility to, 8. Identifiers: MedGen C2752062, MONDO:0013032, OMIM 612899.
Neonatal severe primary hyperparathyroidism. Identifiers: Orphanet 417, MedGen C1832615, MONDO:0009397, OMIM 239200.
Familial hypocalciuric hypercalcemia (FHH). Also called: Familial benign hypercalcemia. Identifiers: Orphanet 405, MedGen C1809471, MONDO:0018458.

Allele frequency attached by ClinVar (database versions not stated): gnomAD exomes below 0.00001.
gnomAD v4.1: 4 of 1,613,986 alleles (0.00025%); highest among the groups gnomAD compares: South Asian, 0.0011%; no homozygotes.

Submissions (6):

Mayo Clinic Laboratories, Mayo Clinic
Classification: Likely pathogenic. Last evaluated: 2025-09-18. Review status: criteria provided, single submitter. Criteria: ACMG Guidelines, 2015. Collection method: clinical testing. Allele origin: germline. Observed: 1 variant allele.
Comment: PP1_moderate, PP3, PM2_supporting, PM3_supporting, PM5, PS3_moderate

Labcorp Genetics (formerly Invitae), Labcorp
Classification: Likely pathogenic for Familial hypocalciuric hypercalcemia; Autosomal dominant hypocalcemia 1. Last evaluated: 2024-05-06. Review status: criteria provided, single submitter. Criteria: Invitae Variant Classification Sherloc (09022015). Collection method: clinical testing. Allele origin: germline.
Comment: This sequence change replaces arginine, which is basic and polar, with cysteine, which is neutral and slightly polar, at codon 66 of the CASR protein (p.Arg66Cys). This variant is not present in population databases (gnomAD no frequency). This missense change has been observed in individual(s) with familial hypocalciuric hypercalcemia and neonatal severe hyperparathyroidism (PMID: 7726161, 16740594). It has also been observed to segregate with disease in related individuals. This variant is also known as p.Arg67Cys. ClinVar contains an entry for this variant (Variation ID: 8335). An algorithm developed to predict the effect of missense changes on protein structure and function (PolyPhen-2) suggests that this variant is likely to be disruptive. Experimental studies have shown that this missense change affects CASR function (PMID: 8702647, 16740594, 17284438, 21239511). This variant disrupts the p.Arg66 amino acid residue in CASR. Other variant(s) that disrupt this residue have been determined to be pathogenic (PMID: 16740594, 25104082). This suggests that this residue is clinically significant, and that variants that disrupt this residue are likely to be disease-causing. In summary, the currently available evidence indicates that the variant is pathogenic, but additional data are needed to prove that conclusively. Therefore, this variant has been classified as Likely Pathogenic.

Fulgent Genetics
Classification: Likely pathogenic for Familial hypocalciuric hypercalcemia 1; Neonatal severe primary hyperparathyroidism; Autosomal dominant hypocalcemia 1; Epilepsy, idiopathic generalized, susceptibility to, 8. Last evaluated: 2024-03-03. Review status: criteria provided, single submitter. Criteria: ACMG Guidelines, 2015. Collection method: clinical testing. Allele origin: germline.

Women's Health and Genetics/Laboratory Corporation of America, LabCorp
Classification: Pathogenic for Familial hypocalciuric hypercalcemia. Last evaluated: 2023-10-10. Review status: criteria provided, single submitter. Criteria: LabCorp Variant Classification Summary - May 2015. Collection method: clinical testing. Allele origin: germline.
Comment: Variant summary: CASR c.196C>T (p.Arg66Cys) results in a non-conservative amino acid change in the encoded protein sequence. Five of five in-silico tools predict a damaging effect of the variant on protein function. The variant was absent in 251326 control chromosomes (gnomAD). c.196C>T has been reported in the literature in the heterozygous state in five related individuals with Familial Hypocalciuric Hypercalcemia (FHH) and in the homozygous state in one additional family member with Neonatal Severe Hyperparathyroidism (NSHPT) who had elevated calcium and parathyroid hormone levels and subsequently underwent a parathyroidectomy (e.g. Pollak_1994, Chou_1995). These data indicate that the variant is very likely to be associated with disease. At least two publications report experimental evidence evaluating an impact on protein function in vitro (e.g. Pidasheva_2006, Huang_2007). The variant showed reduced cell surface expression compared to the wild type protein, lacked mature glycosylation and was deficient in cell signalling responses to extracellular CASR ligands, exhibiting a response approximately 10-30% that of wild type CASR. Additionally, another variant affecting the same amino acid (p.R66H) was found to severely impact protein function and has been observed in multiple affected individuals in a family with FHH/NSHPT (Pidasheva_2006), further supporting that R66 is important for CASR function. The following publications have been ascertained in the context of this evaluation (PMID: 7726161, 17284438, 16740594, 8132750). Two submitters have cited clinical-significance assessments for this variant to ClinVar after 2014 and both classified the variant as likely pathogenic. Based on the evidence outlined above, the variant was classified as pathogenic.

GeneDx
Classification: Likely pathogenic. Last evaluated: 2017-06-07. Review status: criteria provided, single submitter. Criteria: GeneDx Variant Classification (06012015). Collection method: clinical testing. Allele origin: germline. Affected: yes.
Comment: The R66C variant in the CASR gene has been reported previously in the homozygous state in a newborn diagnosed with neonatal severe hyperparathyroidism (NSHPT), which prior to a parathyroidectomy had elevated concentrations of serum calcium and PTH (Pidasheva et al., 2006). This variant has also been reported in the heterozygous state in an individual with with familial hypocalciuric hypercalcemia (Chou et al., 1995). An in vitro transfection study demonstrated the R66C variant impairs cell signaling response to extracellular increases in CASR agonists in HEK293 cells (Pidasheva et al., 2006). The R66C variant is not observed in large population cohorts (Lek et al., 2016; 1000 Genomes Consortium et al., 2015; Exome Variant Server). The R66C variant is a non-conservative amino acid substitution, which is likely to impact secondary protein structure as these residues differ in polarity, charge, size and/or other properties. This substitution occurs at a position that is conserved across species. Additionally, a missense variant at the same residue (R66H) has been reported as homozygous in two siblings with NSHPT (Pidasheva et al., 2006). We interpret R66C as a likely pathogenic variant.

OMIM
Classification: Pathogenic for HYPOCALCIURIC HYPERCALCEMIA, FAMILIAL, TYPE I. Last evaluated: 1995-05-01. Review status: no assertion criteria provided. Collection method: literature only. Allele origin: germline. Not counted in ClinVar's aggregate classification.

Literature cited by the submitters: PubMed 16740594 (cited by 3 submitters); PubMed 17284438 (cited by 3 submitters); PubMed 19389809 (cited by Mayo Clinic Laboratories, Mayo Clinic); PubMed 33057194 (cited by Mayo Clinic Laboratories, Mayo Clinic); PubMed 35982159 (cited by Mayo Clinic Laboratories, Mayo Clinic); PubMed 7726161 (cited by 4 submitters); PubMed 8132750 (cited by Mayo Clinic Laboratories, Mayo Clinic and Women's Health and Genetics/Laboratory Corporation of America, LabCorp); PubMed 8702647 (cited by Labcorp Genetics (formerly Invitae), Labcorp); PubMed 21239511 (cited by Labcorp Genetics (formerly Invitae), Labcorp); PubMed 25104082 (cited by Labcorp Genetics (formerly Invitae), Labcorp).

NM_000388.4(CASR):c.196C>T (p.Arg66Cys)

Gene: CASR (calcium sensing receptor; plus strand). Cytogenetic location: 3q21.1.
Variant type: single nucleotide variant.
Coding change: c.196C>T on transcript NM_000388.4 (MANE Select); coding-DNA position 196, C replaced by T.
Protein change: p.Arg66Cys; replaces arginine 66 with cysteine.
Molecular consequence: missense variant.
Genome position (GRCh38, 1-based): chr3:122,257,091, C>T. VCF-style: chr3-122257091-C-T. GRCh37 (hg19) VCF-style: chr3-121975938-C-T.
Other names: R67C; p.Arg66Cys; c.196C>T, p.Arg66Cys (NM_001178065.2); short protein forms R66C.
Identifiers: ClinVar variation 8335 (VCV000008335.11), dbSNP rs121909266, ClinGen allele CA119507.